The following is an entry in ClinVar:

NM_024649.5(BBS1):c.417G>A (p.Trp139Ter)

Gene: BBS1 (Bardet-Biedl syndrome 1; plus strand). Cytogenetic location: 11q13.2.
Variant type: single nucleotide variant.
Coding change: c.417G>A on transcript NM_024649.5 (MANE Select); coding-DNA position 417, G replaced by A.
Protein change: p.Trp139Ter; replaces tryptophan 139 with a stop codon.
Molecular consequence: nonsense.
Genome position (GRCh38, 1-based): chr11:66,514,663, G>A. VCF-style: chr11-66514663-G-A. GRCh37 (hg19) VCF-style: chr11-66282134-G-A.
Other names: short protein forms W139*.
Identifiers: ClinVar variation 940045 (VCV000940045.1), dbSNP rs1856011993, ClinGen allele CA381457173.

ClinVar aggregate classification (germline): Pathogenic (1 of 4 stars; one submission).

Conditions:
Bardet-Biedl syndrome (BBS). Identifiers: Orphanet 110, MedGen C0752166, MONDO:0015229.

Submission:

Labcorp Genetics (formerly Invitae), Labcorp
Classification: Pathogenic for Bardet-Biedl syndrome. Last evaluated: 2019-09-20. Review status: criteria provided, single submitter. Criteria: Invitae Variant Classification Sherloc (09022015). Collection method: clinical testing. Allele origin: germline.
Comment: This sequence change creates a premature translational stop signal (p.Trp139*) in the BBS1 gene. It is expected to result in an absent or disrupted protein product. This variant is not present in population databases (ExAC no frequency). This variant has not been reported in the literature in individuals with BBS1-related conditions. Loss-of-function variants in BBS1 are known to be pathogenic (PMID: 12118255). For these reasons, this variant has been classified as Pathogenic.